The following is an entry in ClinVar:

ClinVar aggregate classification (germline): Uncertain significance. Review status: criteria provided, multiple submitters, no conflicts (2 of 4 stars). 2 submissions from 2 submitters: Uncertain significance (2). Last evaluated 2022-01-02.

Submissions (2):

Labcorp Genetics (formerly Invitae), Labcorp
Classification: Uncertain significance. Last evaluated: 2022-01-02. Review status: criteria provided, single submitter. Criteria: Invitae Variant Classification Sherloc (09022015). Collection method: clinical testing. Allele origin: germline.
Comment: In summary, the available evidence is currently insufficient to determine the role of this variant in disease. Therefore, it has been classified as a Variant of Uncertain Significance. Algorithms developed to predict the effect of missense changes on protein structure and function output the following: SIFT: "Not Available"; PolyPhen-2: "Benign"; Align-GVGD: "Not Available". The leucine amino acid residue is found in multiple mammalian species, which suggests that this missense change does not adversely affect protein function. ClinVar contains an entry for this variant (Variation ID: 1172844). This variant has not been reported in the literature in individuals affected with APOA1-related conditions. This variant is not present in population databases (gnomAD no frequency). This sequence change replaces phenylalanine, which is neutral and non-polar, with leucine, which is neutral and non-polar, at codon 95 of the APOA1 protein (p.Phe95Leu).

Women's Health and Genetics/Laboratory Corporation of America, LabCorp
Classification: Uncertain significance. Last evaluated: 2021-05-24. Review status: criteria provided, single submitter. Criteria: LabCorp Variant Classification Summary - May 2015. Collection method: clinical testing. Allele origin: germline.
Comment: Variant summary: APOA1 c.283T>C (p.Phe95Leu) results in a non-conservative amino acid change in the encoded protein sequence. Four of five in-silico tools predict a benign effect of the variant on protein function. The variant was absent in 251392 control chromosomes (gnomAD). The available data on variant occurrences in the general population are insufficient to allow any conclusion about variant significance. To our knowledge, no occurrence of c.283T>C in individuals affected with Cardiomyopathy and no experimental evidence demonstrating its impact on protein function have been reported. A co-occurrence with a pathogenic variant has been reported (DSP c.8193C>G, p.Y2731X; Internal testing). No clinical diagnostic laboratories have submitted clinical-significance assessments for this variant to ClinVar after 2014. Based on the evidence outlined above, the variant was classified as uncertain significance.

NM_000039.3(APOA1):c.283T>C (p.Phe95Leu)

Genes: APOA1 (apolipoprotein A1; minus strand), APOA1-AS (APOA1 antisense RNA; plus strand). Cytogenetic location: 11q23.3.
Variant type: single nucleotide variant.
Coding change: c.283T>C on transcript NM_000039.3 (MANE Select); coding-DNA position 283, T replaced by C.
Protein change: p.Phe95Leu; replaces phenylalanine 95 with leucine.
Molecular consequence: missense variant.
Genome position (GRCh38, 1-based): chr11:116,836,329, A>G on the plus strand (T>C on the coding strand, the complement: APOA1 is on the minus strand). VCF-style: chr11-116836329-A-G. GRCh37 (hg19) VCF-style: chr11-116707045-A-G.
Other names: c.-45T>C (NM_001318021.2); c.283T>C, p.Phe95Leu (NM_001318017.2, NM_001318018.2); short protein forms F95L.
Identifiers: ClinVar variation 1172844 (VCV001172844.6), dbSNP rs2134231444, ClinGen allele CA382717007.